The following is an entry in ClinVar:

NM_001365276.2(TNXB):c.10006G>A (p.Gly3336Arg)

Gene: TNXB (tenascin XB; minus strand). Cytogenetic location: 6p21.33.
Variant type: single nucleotide variant.
Coding change: c.10006G>A on transcript NM_001365276.2 (MANE Select); coding-DNA position 10006, G replaced by A.
Protein change: p.Gly3336Arg; replaces glycine 3336 with arginine.
Molecular consequence: missense variant.
Genome position (GRCh38, 1-based): chr6:32,048,402, C>T on the plus strand (G>A on the coding strand, the complement: TNXB is on the minus strand). VCF-style: chr6-32048402-C-T. GRCh37 (hg19) VCF-style: chr6-32016179-C-T.
Other names: c.10000G>A, p.Gly3334Arg (NM_019105.8); short protein forms G3334R, G3336R.
Identifiers: ClinVar variation 1798764 (VCV001798764.3), dbSNP rs1032893435, ClinGen allele CA136899451.

ClinVar aggregate classification (germline): Uncertain significance (1 of 4 stars; one submission).

Conditions:
Cardiovascular phenotype. Identifiers: MedGen CN230736.

gnomAD v4.1: 8 of 1,532,782 alleles (0.00052%); highest among the groups gnomAD compares: East Asian, 0.0046%; no homozygotes.

Submission:

Ambry Genetics
Classification: Uncertain significance for Cardiovascular phenotype. Last evaluated: 2024-11-18. Review status: criteria provided, single submitter. Criteria: Ambry Variant Classification Scheme 2023. Collection method: clinical testing. Allele origin: germline.
Comment: The p.G3334R variant (also known as c.10000G>A), located in coding exon 28 of the TNXB gene, results from a G to A substitution at nucleotide position 10000. The glycine at codon 3334 is replaced by arginine, an amino acid with dissimilar properties. This amino acid position is conserved. In addition, this alteration is predicted to be tolerated by in silico analysis. Since supporting evidence is limited at this time, the clinical significance of this alteration remains unclear.